The following is an entry in ClinVar:

NM_000156.6(GAMT):c.585C>T (p.Pro195=)

Gene: GAMT (guanidinoacetate N-methyltransferase; minus strand). Cytogenetic location: 19p13.3.
Variant type: single nucleotide variant.
Coding change: c.585C>T on transcript NM_000156.6 (MANE Select); coding-DNA position 585, C replaced by T.
Protein change: p.Pro195=; no amino-acid change (proline 195 retained).
Molecular consequence: synonymous variant.
Genome position (GRCh38, 1-based): chr19:1,397,485, G>A on the plus strand (C>T on the coding strand, the complement: GAMT is on the minus strand). VCF-style: chr19-1397485-G-A. GRCh37 (hg19) VCF-style: chr19-1397484-G-A.
Identifiers: ClinVar variation 386261 (VCV000386261.14), dbSNP rs371024035, ClinGen allele CA9043563.

ClinVar aggregate classification (germline): Likely benign. Review status: criteria provided, multiple submitters, no conflicts (2 of 4 stars). 3 submissions from 3 submitters: Likely benign (3). Last evaluated 2025-01-12.

Conditions:
Inborn genetic diseases. Identifiers: MedGen C0950123, MeSH D030342.
Cerebral creatine deficiency syndrome. Also called: Creatine deficiency syndromes. Identifiers: Orphanet 79172, MedGen C5244016, MONDO:0000456.

Allele frequency attached by ClinVar (database versions not stated): gnomAD exomes 0.00001; ExAC 0.00002; gnomAD 0.00003 and 0.00004; TOPMed 0.00006; ESP Exome Variant Server 0.00008.
gnomAD v4.1: 19 of 1,605,126 alleles (0.0012%); highest among the groups gnomAD compares: African/African-American, 0.0067%; no homozygotes.

Submissions (3):

Labcorp Genetics (formerly Invitae), Labcorp
Classification: Likely benign for Cerebral creatine deficiency syndrome. Last evaluated: 2025-01-12. Review status: criteria provided, single submitter. Criteria: Invitae Variant Classification Sherloc (09022015). Collection method: clinical testing. Allele origin: germline.

Ambry Genetics
Classification: Likely benign for Inborn genetic diseases. Last evaluated: 2019-02-26. Review status: criteria provided, single submitter. Criteria: Ambry Variant Classification Scheme 2023. Collection method: clinical testing. Allele origin: germline.

GeneDx
Classification: Likely benign. Last evaluated: 2016-05-16. Review status: criteria provided, single submitter. Criteria: GeneDx Variant Classification (06012015). Collection method: clinical testing. Allele origin: germline. Affected: yes.
Comment: This variant is considered likely benign or benign based on one or more of the following criteria: it is a conservative change, it occurs at a poorly conserved position in the protein, it is predicted to be benign by multiple in silico algorithms, and/or has population frequency not consistent with disease.